The following is an entry in ClinVar:

NM_001394998.1(TANC2):c.1423C>T (p.Pro475Ser)

Gene: TANC2 (tetratricopeptide repeat, ankyrin repeat and coiled-coil containing 2; plus strand). Cytogenetic location: 17q23.3.
Variant type: single nucleotide variant.
Coding change: c.1423C>T on transcript NM_001394998.1 (MANE Select); coding-DNA position 1423, C replaced by T.
Protein change: p.Pro475Ser; replaces proline 475 with serine.
Molecular consequence: missense variant.
Genome position (GRCh38, 1-based): chr17:63,314,651, C>T. VCF-style: chr17-63314651-C-T. GRCh37 (hg19) VCF-style: chr17-61392012-C-T.
Other names: c.1201C>T, p.Pro401Ser (NM_001411076.1, NM_025185.4); short protein forms P401S, P475S.
Identifiers: ClinVar variation 3368325 (VCV003368325.1).

ClinVar aggregate classification (germline): Uncertain significance (1 of 4 stars; one submission).

Submission:

GeneDx
Classification: Uncertain significance. Last evaluated: 2024-01-24. Review status: criteria provided, single submitter. Criteria: GeneDx Variant Classification Process June 2021. Collection method: clinical testing. Allele origin: germline. Affected: yes.
Comment: Not observed at significant frequency in large population cohorts (gnomAD); In silico analysis supports that this missense variant has a deleterious effect on protein structure/function; Has not been previously published as pathogenic or benign to our knowledge